The following is an entry in ClinVar:

ClinVar aggregate classification (germline): Uncertain significance. Review status: criteria provided, multiple submitters, no conflicts (2 of 4 stars). 2 submissions from 2 submitters: Uncertain significance (2). Last evaluated 2025-12-01.

Conditions:
Hereditary cancer-predisposing syndrome. Also called: Hereditary neoplastic syndrome; Neoplastic Syndromes, Hereditary; Tumor predisposition; Hereditary Cancer Syndrome. Identifiers: Orphanet 140162, MedGen C0027672, MeSH D009386, MONDO:0015356.
Oligodontia-cancer predisposition syndrome. Also called: TOOTH AGENESIS-COLORECTAL CANCER SYNDROME. Identifiers: Orphanet 300576, MedGen C1837750, MONDO:0012075, OMIM 608615. Disease mechanism: loss of function.

Allele frequency attached by ClinVar (database versions not stated): TOPMed 0.00001.
gnomAD v4.1: 2 of 1,614,106 alleles (0.00012%); highest among the groups gnomAD compares: Non-Finnish European, 0.00017%; no homozygotes.

Submissions (2):

Labcorp Genetics (formerly Invitae), Labcorp
Classification: Uncertain significance for Oligodontia-cancer predisposition syndrome. Last evaluated: 2025-12-01. Review status: criteria provided, single submitter. Criteria: Invitae Variant Classification Sherloc (09022015). Collection method: clinical testing. Allele origin: germline.
Comment: This sequence change replaces isoleucine, which is neutral and non-polar, with methionine, which is neutral and non-polar, at codon 375 of the AXIN2 protein (p.Ile375Met). This variant is not present in population databases (gnomAD no frequency). This variant has not been reported in the literature in individuals affected with AXIN2-related conditions. ClinVar contains an entry for this variant (Variation ID: 533213). Invitae Evidence Modeling of protein sequence and biophysical properties (such as structural, functional, and spatial information, amino acid conservation, physicochemical variation, residue mobility, and thermodynamic stability) indicates that this missense variant is expected to disrupt AXIN2 protein function with a positive predictive value of 80%. In summary, the available evidence is currently insufficient to determine the role of this variant in disease. Therefore, it has been classified as a Variant of Uncertain Significance.

Ambry Genetics
Classification: Uncertain significance for Hereditary cancer-predisposing syndrome. Last evaluated: 2021-05-26. Review status: criteria provided, single submitter. Criteria: Ambry Variant Classification Scheme 2023. Collection method: clinical testing. Allele origin: germline.
Comment: The p.I375M variant (also known as c.1125C>G), located in coding exon 4 of the AXIN2 gene, results from a C to G substitution at nucleotide position 1125. The isoleucine at codon 375 is replaced by methionine, an amino acid with highly similar properties. This amino acid position is highly conserved in available vertebrate species. In addition, the in silico prediction for this alteration is inconclusive. Since supporting evidence is limited at this time, the clinical significance of this alteration remains unclear.

NM_004655.4(AXIN2):c.1125C>G (p.Ile375Met)

Gene: AXIN2 (axin 2; minus strand). Cytogenetic location: 17q24.1.
Variant type: single nucleotide variant.
Coding change: c.1125C>G on transcript NM_004655.4 (MANE Select); coding-DNA position 1125, C replaced by G.
Protein change: p.Ile375Met; replaces isoleucine 375 with methionine.
Molecular consequence: missense variant.
Genome position (GRCh38, 1-based): chr17:65,538,278, G>C on the plus strand (C>G on the coding strand, the complement: AXIN2 is on the minus strand). VCF-style: chr17-65538278-G-C. GRCh37 (hg19) VCF-style: chr17-63534396-G-C.
Other names: c.1125C>G (LRG_296t1); c.1125C>G, p.Ile375Met (NM_001363813.1); short protein forms I375M.
Identifiers: ClinVar variation 533213 (VCV000533213.14), dbSNP rs748945736, ClinGen allele CA400678383.